The following is an entry in ClinVar:

NM_001130438.3(SPTAN1):c.2815C>T (p.Leu939Phe)

Gene: SPTAN1 (spectrin alpha, non-erythrocytic 1; plus strand). Cytogenetic location: 9q34.11.
Variant type: single nucleotide variant.
Coding change: c.2815C>T on transcript NM_001130438.3 (MANE Select); coding-DNA position 2815, C replaced by T.
Protein change: p.Leu939Phe; replaces leucine 939 with phenylalanine.
Molecular consequence: missense variant.
Genome position (GRCh38, 1-based): chr9:128,587,642, C>T. VCF-style: chr9-128587642-C-T. GRCh37 (hg19) VCF-style: chr9-131349921-C-T.
Other names: c.2815C>T, p.Leu939Phe (NM_001195532.2, NM_001363759.2, NM_001363765.2 and 5 more transcripts); c.2851C>T, p.Leu951Phe (NM_001375312.2, NM_001375318.1); short protein forms L939F, L951F.
Identifiers: ClinVar variation 976415 (VCV000976415.2), dbSNP rs1852827656, ClinGen allele CA375058889.
Genomic context (GRCh38, chr9:128,587,642, plus strand): 5'-CTCCATGTGTGGTTTTGGTTTCAGGCTCTACTGAAGAAACACGAAGCTTTGATGTCAGAT[C>T]TCAGTGCCTACGGCAGCAGCATCCAGGCTTTGCGAGAACAAGCACAGTCCTGCCGGGTAA-3'
Protein context (NP_001123910.1, residues 929-949): LKKHEALMSD[Leu939Phe]SAYGSSIQAL

ClinVar aggregate classification (germline): Uncertain significance. Review status: criteria provided, multiple submitters, no conflicts (2 of 4 stars). 2 submissions from 2 submitters: Uncertain significance (2). Last evaluated 2025-04-05.

Conditions:
Developmental and epileptic encephalopathy, 5 (DEE5). Identifiers: Orphanet 3451, MedGen C3150731, MONDO:0013277, OMIM 613477.

Submissions (2):

GeneDx
Classification: Uncertain significance. Last evaluated: 2025-04-05. Review status: criteria provided, single submitter. Criteria: GeneDx Variant Classification Process June 2021. Collection method: clinical testing. Allele origin: germline. Affected: yes.
Comment: Not observed at significant frequency in large population cohorts (gnomAD); In silico analysis supports that this missense variant has a deleterious effect on protein structure/function; Has not been previously published as pathogenic or benign to our knowledge

Institute of Human Genetics, University of Leipzig Medical Center
Classification: Uncertain significance for Developmental and epileptic encephalopathy, 5. Last evaluated: 2017-10-19. Review status: criteria provided, single submitter. Criteria: ACMG Guidelines, 2015. Collection method: clinical testing. Allele origin: germline. Affected: yes. Observed: 2 variant alleles.